The following is an entry in ClinVar:

NM_000368.5(TSC1):c.*1372T>G

Gene: TSC1 (TSC complex subunit 1; minus strand). Cytogenetic location: 9q34.13.
Variant type: single nucleotide variant.
Coding change: c.*1372T>G on transcript NM_000368.5 (MANE Select); 1372 bases downstream of the stop codon, T replaced by G.
Molecular consequence: 3 prime UTR variant.
Genome position (GRCh38, 1-based): chr9:132,894,863, A>C on the plus strand (T>G on the coding strand, the complement: TSC1 is on the minus strand). VCF-style: chr9-132894863-A-C. GRCh37 (hg19) VCF-style: chr9-135770250-A-C.
Other names: c.*1372T>G (NM_001162427.2, NM_001362177.2, NM_001162426.2).
Identifiers: ClinVar variation 365478 (VCV000365478.6), dbSNP rs58612431, ClinGen allele CA10633002.

ClinVar aggregate classification (germline): Benign. Review status: criteria provided, multiple submitters, no conflicts (2 of 4 stars). 3 submissions from 2 submitters: Benign (3). Last evaluated 2018-01-13.

Conditions:
Isolated focal cortical dysplasia type II (FCORD2). Also called: CORTICAL DYSPLASIA OF TAYLOR; Focal cortical dysplasia type II. Identifiers: Orphanet 268994, MedGen C1846385, MONDO:0011818, OMIM 607341, HP:0032051.
Tuberous sclerosis 1 (TSC1). Identifiers: Orphanet 805, MedGen C1854465, MONDO:0008612, OMIM 191100.

Allele frequency attached by ClinVar (database versions not stated): TOPMed 0.27441; gnomAD exomes 0.18010; 1000 Genomes Project 0.21965; 1000 Genomes Project 30x 0.23001; gnomAD 0.25143 and 0.26140.
gnomAD v4.1: 52,594 of 231,148 alleles (23%); highest among the groups gnomAD compares: African/African-American, 47%; 7,920 homozygotes.

Submissions (3):

Illumina Laboratory Services, Illumina
Classification: Benign for Isolated focal cortical dysplasia type II. Last evaluated: 2018-01-13. Review status: criteria provided, single submitter. Criteria: ICSL Variant Classification Criteria 13 December 2019. Collection method: clinical testing. Allele origin: germline.
Comment: This variant was observed in the ICSL laboratory as part of a predisposition screen in an ostensibly healthy population. It had not been previously curated by ICSL or reported in the Human Gene Mutation Database (HGMD: prior to June 1st, 2018), and was therefore a candidate for classification through an automated scoring system. Utilizing variant allele frequency, disease prevalence and penetrance estimates, and inheritance mode, an automated score was calculated to assess if this variant is too frequent to cause the disease. Based on the score and internal cut-off values, a variant classified as benign is not then subjected to further curation. The score for this variant resulted in a classification of benign for this disease.

Illumina Laboratory Services, Illumina
Classification: Benign for Tuberous sclerosis 1. Last evaluated: 2018-01-13. Review status: criteria provided, single submitter. Criteria: ICSL Variant Classification Criteria 13 December 2019. Collection method: clinical testing. Allele origin: germline.
Comment: the same text as in the submission from Illumina Laboratory Services, Illumina above.

Breakthrough Genomics
Classification: Benign. Review status: criteria provided, single submitter. Criteria: ACMG Guidelines, 2015. Collection method: not provided. Allele origin: germline. Inheritance: Autosomal dominant inheritance. Affected: yes.